The following is an entry in ClinVar:

NM_000435.3(NOTCH3):c.403T>C (p.Ser135Pro)

Gene: NOTCH3 (notch receptor 3; minus strand). Cytogenetic location: 19p13.12.
Variant type: single nucleotide variant.
Coding change: c.403T>C on transcript NM_000435.3 (MANE Select); coding-DNA position 403, T replaced by C.
Protein change: p.Ser135Pro; replaces serine 135 with proline.
Molecular consequence: missense variant.
Genome position (GRCh38, 1-based): chr19:15,192,236, A>G on the plus strand (T>C on the coding strand, the complement: NOTCH3 is on the minus strand). VCF-style: chr19-15192236-A-G. GRCh37 (hg19) VCF-style: chr19-15303047-A-G.
Other names: short protein forms S135P.
Identifiers: ClinVar variation 1526178 (VCV001526178.1), dbSNP rs2145442354, ClinGen allele CA404534224.

ClinVar aggregate classification (germline): Uncertain significance (1 of 4 stars; one submission).

Conditions:
Cerebral arteriopathy, autosomal dominant, with subcortical infarcts and leukoencephalopathy, type 1 (CADASIL1). Also called: DEMENTIA, HEREDITARY MULTIINFARCT TYPE; CADASIL 1; CASIL; Cerebral arteriopathy with subcortical infarcts and leukoencephalopathy 1. Identifiers: Orphanet 136, MedGen C4551768, MONDO:0000914, OMIM 125310.

Submission:

3billion
Classification: Uncertain significance for Cerebral arteriopathy, autosomal dominant, with subcortical infarcts and leukoencephalopathy, type 1. Last evaluated: 2022-03-22. Review status: criteria provided, single submitter. Criteria: ACMG Guidelines, 2015. Collection method: clinical testing. Allele origin: germline. Affected: yes. Observed: 1 heterozygote.
Comment: The variant is not observed in the gnomAD v2.1.1 dataset. In silico tool predictions suggest damaging effect of the variant on gene or gene product (REVEL: 0.667>=0.6, 3CNET: 0.843>=0.75). A missense variant is a common mechanism . Therefore, this variant is classified as uncertain significance according to the recommendation of ACMG/AMP guideline.